The following is an entry in ClinVar:

GRCh38/hg38 6q27(chr6:165765911-166042428)x3

Genes: LINC00473 (long independently transcribed non-coding RNA 473; minus strand), LINC00602 (long independently transcribed non-coding RNA 602; plus strand), PDE10A (phosphodiesterase 10A; minus strand), LOC108254680 (LINC00602-GAPDHP72 intergenic CAGE-defined low expression enhancer; plus strand), LOC129997650 (ATAC-STARR-seq lymphoblastoid active region 25427; plus strand) and 1 more. Cytogenetic location: 6q27.
Variant type: copy number gain.
Change: copy number 3 (three copies instead of two) of chr6:165,765,911-166,042,428 (276.5 kb, GRCh38 coordinates, 1-based), cytogenetic band 6q27.
Identifiers: ClinVar variation 4890964 (VCV004890964.1).

ClinVar aggregate classification (germline): Pathogenic (1 of 4 stars; one submission).

Submission:

Clinical Genomics Laboratory, Laboratory for Precision Diagnostics, University of Washington
Classification: Pathogenic. Last evaluated: 2023-12-04. Review status: criteria provided, single submitter. Criteria: ACMG/ClinGen CNV Guidelines, 2019. Collection method: clinical testing. Allele origin: unknown. Affected: yes. Observed: 1 variant allele.
Comment: Constitutional duplications of TBXT have been detected in multiple families with hereditary chordoma (PMID: 19801981). In some cases, there is a more complex rearrangement of the region (e.g. Family 3 in PMID: 19801981), and somatic complex rearrangements have also been seen (PMID: 33536423, PMID: 29026114).

Literature cited by the submitters: PubMed 29026114; PubMed 33536423; PubMed 19801981.